The following is an entry in ClinVar:

ClinVar aggregate classification (germline): Conflicting classifications of pathogenicity. Review status: criteria provided, conflicting classifications (1 of 4 stars). 2 submissions from 2 submitters: Likely pathogenic (1); Uncertain significance (1). Last evaluated 2025-01-16.

Conditions:
Leukoencephalopathy with brain stem and spinal cord involvement-high lactate syndrome (LBSL). Also called: LEUKOENCEPHALOPATHY WITH BRAINSTEM AND SPINAL CORD INVOLVEMENT AND LACTATE ELEVATION, MILD; Leukoencephalopathy with Brainstem and Spinal Cord Involvement and Lactate Elevation; MITOCHONDRIAL ASPARTYL-tRNA SYNTHETASE DEFICIENCY. Identifiers: Orphanet 137898, MedGen C1970180, MONDO:0012622, OMIM 611105.

Allele frequency attached by ClinVar (database versions not stated): gnomAD exomes below 0.00001; gnomAD 0.00001; TOPMed 0.00001.
gnomAD v4.1: 7 of 1,608,686 alleles (0.00044%); highest among the groups gnomAD compares: South Asian, 0.0022%; no homozygotes.

Submissions (2):

Broad Center for Mendelian Genomics, Broad Institute of MIT and Harvard
Classification: Uncertain significance for Leukoencephalopathy with brain stem and spinal cord involvement-high lactate syndrome. Last evaluated: 2025-01-16. Review status: criteria provided, single submitter. Criteria: ACMG Guidelines, 2015. Collection method: curation. Allele origin: germline. Inheritance: Autosomal recessive inheritance.
Comment: The p.Asp87Asn variant in DARS2 has been reported in 1 individual, in the compound heterozygous state, with leukoencephalopathy with brain stem and spinal cord involvement-high lactate syndrome (Rathore 2017), and has been identified in 0.002% (2/90868) of South Asian chromosomes by the Genome Aggregation Database (gnomAD; dbSNP rs1209550754). Although this variant has been seen in the general population in a heterozygous state, its frequency is low enough to be consistent with a recessive carrier frequency. This variant has also been reported in ClinVar (Variation ID: 434896) and has been interpreted as likely pathogenic by Genetic Services Laboratory (University of Chicago) and GenomeConnect (ClinGen). Computational prediction tools, including splice predictors, and conservation analyses suggest that this variant may not impact the protein, though this information is not predictive enough to rule out pathogenicity. In summary, the clinical significance of the p.Asp87Asn variant is uncertain. ACMG/AMP Criteria applied: BP4, PM2_supporting, PM3 (Richards 2015).

Genetic Services Laboratory, University of Chicago
Classification: Likely pathogenic for Leukoencephalopathy with brain stem and spinal cord involvement and lactate elevation. Last evaluated: 2016-02-17. Review status: criteria provided, single submitter. Criteria: ACMG Guidelines, 2015. Collection method: clinical testing. Allele origin: germline. Affected: yes.

NM_018122.5(DARS2):c.259G>A (p.Asp87Asn)

Gene: DARS2 (aspartyl-tRNA synthetase 2, mitochondrial; plus strand). Cytogenetic location: 1q25.1.
Variant type: single nucleotide variant.
Coding change: c.259G>A on transcript NM_018122.5 (MANE Select); coding-DNA position 259, G replaced by A.
Protein change: p.Asp87Asn; replaces aspartic acid 87 with asparagine.
Molecular consequence: missense variant.
Genome position (GRCh38, 1-based): chr1:173,828,364, G>A. VCF-style: chr1-173828364-G-A. GRCh37 (hg19) VCF-style: chr1-173797502-G-A.
Other names: NM_018122.5(DARS2):c.259G>A; p.Asp87Asn; c.259G>A, p.Asp87Asn (NM_001365212.1, NM_001365213.2); short protein forms D87N.
Identifiers: ClinVar variation 434896 (VCV000434896.8), dbSNP rs1209550754, ClinGen allele CA343756941.